The following is an entry in ClinVar:

NM_000322.5(PRPH2):c.809T>C (p.Leu270Pro)

Gene: PRPH2 (peripherin 2; minus strand). Cytogenetic location: 6p21.1.
Variant type: single nucleotide variant.
Coding change: c.809T>C on transcript NM_000322.5 (MANE Select); coding-DNA position 809, T replaced by C.
Protein change: p.Leu270Pro; replaces leucine 270 with proline.
Molecular consequence: missense variant.
Genome position (GRCh38, 1-based): chr6:42,704,384, A>G on the plus strand (T>C on the coding strand, the complement: PRPH2 is on the minus strand). VCF-style: chr6-42704384-A-G. GRCh37 (hg19) VCF-style: chr6-42672122-A-G.
Other names: short protein forms L270P.
Identifiers: ClinVar variation 1338784 (VCV001338784.4), dbSNP rs2152005198, ClinGen allele CA364134652.

ClinVar aggregate classification (germline): Uncertain significance. Review status: criteria provided, single submitter (1 of 4 stars). 2 submissions from 2 submitters: Uncertain significance (1). 1 of the submissions does not count toward it. Last evaluated 2024-07-01.

Conditions:
Retinal dystrophy. Also called: Inherited retinal dystrophy. Identifiers: Orphanet 71862, MedGen C0854723, MeSH D058499, MONDO:0019118, HP:0000556.
Retinitis pigmentosa 7 (RP7). Identifiers: Orphanet 791, MedGen C1842475, MONDO:0011974, OMIM 608133.

Submissions (2):

Institute of Human Genetics, University of Leipzig Medical Center
Classification: Uncertain significance for Retinitis pigmentosa 7. Last evaluated: 2024-07-01. Review status: criteria provided, single submitter. Criteria: ACMG Guidelines, 2015. Collection method: clinical testing. Allele origin: unknown. Inheritance: Autosomal dominant inheritance. Affected: yes.
Comment: Criteria applied: PM1,PM2,PP3

Institute of Human Genetics, Univ. Regensburg, Univ. Regensburg
Classification: Likely pathogenic for Retinal dystrophy. Last evaluated: 2020-01-01. Review status: no assertion criteria provided. Criteria: ACMG Guidelines, 2015. Collection method: clinical testing. Allele origin: germline. Affected: yes. Not counted in ClinVar's aggregate classification.